The following is an entry in ClinVar:

NM_182493.3(MYLK3):c.959C>G (p.Ala320Gly)

Gene: MYLK3 (myosin light chain kinase 3; minus strand). Cytogenetic location: 16q11.2.
Variant type: single nucleotide variant.
Coding change: c.959C>G on transcript NM_182493.3 (MANE Select); coding-DNA position 959, C replaced by G.
Protein change: p.Ala320Gly; replaces alanine 320 with glycine.
Molecular consequence: missense variant. On other transcripts: intron variant (1).
Genome position (GRCh38, 1-based): chr16:46,737,753, G>C on the plus strand (C>G on the coding strand, the complement: MYLK3 is on the minus strand). VCF-style: chr16-46737753-G-C. GRCh37 (hg19) VCF-style: chr16-46771665-G-C.
Other names: c.959C>G (NM_182493.2); c.-23+2304C>G (NM_001308301.1); short protein forms A320G.
Identifiers: ClinVar variation 2175031 (VCV002175031.5), dbSNP rs773726861, ClinGen allele CA8038114.

ClinVar aggregate classification (germline): Uncertain significance. Review status: criteria provided, multiple submitters, no conflicts (2 of 4 stars). 2 submissions from 2 submitters: Uncertain significance (2). Last evaluated 2025-12-28.

Allele frequency attached by ClinVar (database versions not stated): TOPMed 0.00001; ExAC 0.00005.
gnomAD v4.1: 14 of 1,610,016 alleles (0.00087%); highest among the groups gnomAD compares: Admixed American, 0.022%; no homozygotes.

Submissions (2):

Labcorp Genetics (formerly Invitae), Labcorp
Classification: Uncertain significance. Last evaluated: 2025-12-28. Review status: criteria provided, single submitter. Criteria: Invitae Variant Classification Sherloc (09022015). Collection method: clinical testing. Allele origin: germline.
Comment: This sequence change replaces alanine, which is neutral and non-polar, with glycine, which is neutral and non-polar, at codon 320 of the MYLK3 protein (p.Ala320Gly). This variant is present in population databases (rs773726861, gnomAD 0.03%). This variant has not been reported in the literature in individuals affected with MYLK3-related conditions. ClinVar contains an entry for this variant (Variation ID: 2175031). An algorithm developed to predict the effect of missense changes on protein structure and function (PolyPhen-2) suggests that this variant is likely to be tolerated. In summary, the available evidence is currently insufficient to determine the role of this variant in disease. Therefore, it has been classified as a Variant of Uncertain Significance.

Ambry Genetics
Classification: Uncertain significance. Last evaluated: 2024-06-16. Review status: criteria provided, single submitter. Criteria: Ambry Variant Classification Scheme 2023. Collection method: clinical testing. Allele origin: germline.